The following is an entry in ClinVar:

NM_002226.5(JAG2):c.522G>A (p.Pro174=)

Gene: JAG2 (jagged canonical Notch ligand 2; minus strand). Cytogenetic location: 14q32.33.
Variant type: single nucleotide variant.
Coding change: c.522G>A on transcript NM_002226.5 (MANE Select); coding-DNA position 522, G replaced by A.
Protein change: p.Pro174=; no amino-acid change (proline 174 retained).
Molecular consequence: synonymous variant.
Genome position (GRCh38, 1-based): chr14:105,155,943, C>T on the plus strand (G>A on the coding strand, the complement: JAG2 is on the minus strand). VCF-style: chr14-105155943-C-T. GRCh37 (hg19) VCF-style: chr14-105622280-C-T.
Other names: c.522G>A, p.Pro174= (NM_145159.3).
Identifiers: ClinVar variation 3051605 (VCV003051605.17), dbSNP rs200966804, ClinGen allele CA7386419.

ClinVar aggregate classification (germline): Likely benign. Review status: criteria provided, single submitter (1 of 4 stars). 2 submissions from 2 submitters: Likely benign (1). 1 of the submissions does not count toward it. Last evaluated 2024-08-01.

Conditions:
JAG2-related disorder. Also called: JAG2-related condition.

Allele frequency attached by ClinVar (database versions not stated): gnomAD exomes 0.00009; ExAC 0.00010; ESP Exome Variant Server 0.00015; 1000 Genomes Project 0.00040; gnomAD 0.00042; TOPMed 0.00056; 1000 Genomes Project 30x 0.00062.
gnomAD v4.1: 195 of 1,610,602 alleles (0.012%); highest among the groups gnomAD compares: African/African-American, 0.13%; no homozygotes.

Submissions (2):

CeGaT Center for Human Genetics Tuebingen
Classification: Likely benign. Last evaluated: 2024-08-01. Review status: criteria provided, single submitter. Criteria: CeGaT Center For Human Genetics Tuebingen Variant Classification Criteria Version 2. Collection method: clinical testing. Allele origin: germline. Affected: yes. Observed: 1 variant allele.
Comment: JAG2: BP4, BP7

PreventionGenetics, part of Exact Sciences
Classification: Likely benign for JAG2-related condition. Last evaluated: 2020-01-07. Review status: no assertion criteria provided. Collection method: clinical testing. Allele origin: germline. Not counted in ClinVar's aggregate classification.
Comment: This variant is classified as likely benign based on ACMG/AMP sequence variant interpretation guidelines (Richards et al. 2015 PMID: 25741868, with internal and published modifications).